The following is an entry in ClinVar:

NM_004793.4(LONP1):c.2155-7C>T

Gene: LONP1 (lon peptidase 1, mitochondrial; minus strand). Cytogenetic location: 19p13.3.
Variant type: single nucleotide variant.
Coding change: c.2155-7C>T on transcript NM_004793.4 (MANE Select); 7 bases into the intron before coding-DNA position 2155, C replaced by T.
Molecular consequence: intron variant.
Genome position (GRCh38, 1-based): chr19:5,694,559, G>A on the plus strand (C>T on the coding strand, the complement: LONP1 is on the minus strand). VCF-style: chr19-5694559-G-A. GRCh37 (hg19) VCF-style: chr19-5694570-G-A.
Other names: c.1567-7C>T (NM_001276480.1); c.1963-7C>T (NM_001276479.2).
Identifiers: ClinVar variation 732829 (VCV000732829.24), dbSNP rs148940656, ClinGen allele CA9114240.

ClinVar aggregate classification (germline): Benign/Likely benign. Review status: criteria provided, multiple submitters, no conflicts (2 of 4 stars). 3 submissions from 3 submitters: Benign (2); Likely benign (1). Last evaluated 2025-12-19.

Allele frequency attached by ClinVar (database versions not stated): ESP Exome Variant Server 0.00023; gnomAD 0.00046 and 0.00080; TOPMed 0.00058; gnomAD exomes 0.00200; ExAC 0.00205; 1000 Genomes Project 0.00280; 1000 Genomes Project 30x 0.00281.
gnomAD v4.1: 1,570 of 1,610,990 alleles (0.097%); highest among the groups gnomAD compares: South Asian, 0.88%; 10 homozygotes.

Submissions (3):

Labcorp Genetics (formerly Invitae), Labcorp
Classification: Benign. Last evaluated: 2025-12-19. Review status: criteria provided, single submitter. Criteria: Invitae Variant Classification Sherloc (09022015). Collection method: clinical testing. Allele origin: germline.

CeGaT Center for Human Genetics Tuebingen
Classification: Likely benign. Last evaluated: 2025-10-01. Review status: criteria provided, single submitter. Criteria: CeGaT Center For Human Genetics Tuebingen Variant Classification Criteria Version 2. Collection method: clinical testing. Allele origin: germline. Affected: yes. Observed: 3 variant alleles.
Comment: LONP1: BP4, BS2

Breakthrough Genomics
Classification: Benign. Review status: criteria provided, single submitter. Criteria: ACMG Guidelines, 2015. Collection method: not provided. Allele origin: germline. Inheritance: Autosomal recessive inheritance. Affected: yes.